The following is an entry in ClinVar:

ClinVar aggregate classification (germline): Uncertain significance (1 of 4 stars; one submission).

Submission:

Laboratory for Molecular Medicine, Mass General Brigham Personalized Medicine
Classification: Uncertain significance. Last evaluated: 2013-02-26. Review status: criteria provided, single submitter. Criteria: LMM Criteria. Collection method: clinical testing. Allele origin: germline. Observed: 1 variant allele.
Comment: proposed classification - variant undergoing re-assessment, contact laboratory

Literature cited by the submitters: PubMed 18533079.

NM_000432.4(MYL2):c.402G>C (p.Glu134Asp)

Gene: MYL2 (myosin light chain 2; minus strand). Cytogenetic location: 12q24.11.
Variant type: single nucleotide variant.
Coding change: c.402G>C on transcript NM_000432.4 (MANE Select); coding-DNA position 402, G replaced by C.
Protein change: p.Glu134Asp; replaces glutamic acid 134 with aspartic acid.
Molecular consequence: missense variant.
Genome position (GRCh38, 1-based): chr12:110,913,096, C>G on the plus strand (G>C on the coding strand, the complement: MYL2 is on the minus strand). VCF-style: chr12-110913096-C-G. GRCh37 (hg19) VCF-style: chr12-111350900-C-G.
Other names: short protein forms E134D.
Identifiers: ClinVar variation 177934 (VCV000177934.4), dbSNP rs727504408, ClinGen allele CA010287.